The following is an entry in ClinVar:

ClinVar aggregate classification (germline): Conflicting classifications of pathogenicity. Review status: criteria provided, conflicting classifications (1 of 4 stars). 3 submissions from 3 submitters: Uncertain significance (1); Likely benign (2). Last evaluated 2026-09-14.

Conditions:
FGFR3-related disorder. Also called: FGFR3-related disorders.

Allele frequency attached by ClinVar (database versions not stated): ExAC 0.00001; gnomAD 0.00001 and 0.00002; gnomAD exomes 0.00001; TOPMed 0.00002.
gnomAD v4.1: 28 of 1,608,174 alleles (0.0017%); highest among the groups gnomAD compares: South Asian, 0.0055%; no homozygotes.

Submissions (3):

PreventionGenetics, part of Exact Sciences
Classification: Uncertain significance for FGFR3-related condition. Last evaluated: 2026-09-14. Review status: criteria provided, single submitter. Criteria: ACMG Guidelines, 2015. Collection method: clinical testing. Allele origin: germline.
Comment: The FGFR3 c.2293C>T variant is predicted to result in the amino acid substitution p.Arg765Cys. To our knowledge, this variant has not been reported in the literature. This variant is reported in 0.0029% of alleles in individuals of European (Non-Finnish) descent in gnomAD. At this time, the clinical significance of this variant is uncertain due to the absence of conclusive functional and genetic evidence.

Women's Health and Genetics/Laboratory Corporation of America, LabCorp
Classification: Likely benign. Last evaluated: 2025-11-18. Review status: criteria provided, single submitter. Criteria: LabCorp Variant Classification Summary - May 2015. Collection method: clinical testing. Allele origin: germline.

Labcorp Genetics (formerly Invitae), Labcorp
Classification: Likely benign. Last evaluated: 2025-10-08. Review status: criteria provided, single submitter. Criteria: Invitae Variant Classification Sherloc (09022015). Collection method: clinical testing. Allele origin: germline.

NM_000142.5(FGFR3):c.2361C>T (p.Ser787=)

Gene: FGFR3 (fibroblast growth factor receptor 3; plus strand). Cytogenetic location: 4p16.3.
Variant type: single nucleotide variant.
Coding change: c.2361C>T on transcript NM_000142.5 (MANE Select); coding-DNA position 2361, C replaced by T.
Protein change: p.Ser787=; no amino-acid change (serine 787 retained).
Molecular consequence: synonymous variant. On other transcripts: missense variant (1), non-coding transcript variant (1).
Genome position (GRCh38, 1-based): chr4:1,807,202, C>T. VCF-style: chr4-1807202-C-T. GRCh37 (hg19) VCF-style: chr4-1808929-C-T.
Other names: c.2293C>T (NM_001354810.1); c.2367C>T, p.Ser789= (NM_001163213.2); c.2364C>T, p.Ser788= (NM_001354809.2); c.2293C>T, p.Arg765Cys (NM_001354810.2); c.2025C>T, p.Ser675= (NM_022965.4); short protein forms R765C.
Identifiers: ClinVar variation 1680145 (VCV001680145.10), dbSNP rs754239704, ClinGen allele CA2810854.